The following is an entry in ClinVar:

NM_012330.4(KAT6B):c.4474C>G (p.Leu1492Val)

Gene: KAT6B (lysine acetyltransferase 6B; plus strand). Cytogenetic location: 10q22.2.
Variant type: single nucleotide variant.
Coding change: c.4474C>G on transcript NM_012330.4 (MANE Select); coding-DNA position 4474, C replaced by G.
Protein change: p.Leu1492Val; replaces leucine 1492 with valine.
Molecular consequence: missense variant.
Genome position (GRCh38, 1-based): chr10:75,029,298, C>G. VCF-style: chr10-75029298-C-G. GRCh37 (hg19) VCF-style: chr10-76789056-C-G.
Other names: c.3925C>G, p.Leu1309Val (NM_001256468.2, NM_001370138.1); c.3598C>G, p.Leu1200Val (NM_001256469.2, NM_001370139.1, NM_001370140.1 and 2 more transcripts); c.3436C>G, p.Leu1146Val (NM_001370132.1); c.2785C>G, p.Leu929Val (NM_001370133.1); c.2389C>G, p.Leu797Val (NM_001370134.1); c.2131C>G, p.Leu711Val (NM_001370135.1); c.4474C>G, p.Leu1492Val (NM_001370136.1, NM_001370137.1); c.3409C>G, p.Leu1137Val (NM_001370143.1, NM_001370144.1); short protein forms L1137V, L1146V, L1492V, L797V, L1200V, L1309V, L711V, L929V.
Identifiers: ClinVar variation 1443553 (VCV001443553.6), dbSNP rs1253925939, ClinGen allele CA377297221.

ClinVar aggregate classification (germline): Uncertain significance (1 of 4 stars; one submission).

Conditions:
Genitopatellar syndrome (GTPTS). Also called: Genitopatellar syndrome (GPS); ABSENT PATELLAE, SCROTAL HYPOPLASIA, RENAL ANOMALIES, FACIAL DYSMORPHISM, AND MENTAL RETARDATION. Identifiers: Orphanet 85201, MedGen C1853566, MONDO:0011640, OMIM 606170.

Allele frequency attached by ClinVar (database versions not stated): TOPMed 0.00001; gnomAD 0.00002.
gnomAD v4.1: 17 of 1,614,024 alleles (0.0011%); highest among the groups gnomAD compares: African/African-American, 0.0027%; no homozygotes.

Submission:

Labcorp Genetics (formerly Invitae), Labcorp
Classification: Uncertain significance for Genitopatellar syndrome. Last evaluated: 2022-12-17. Review status: criteria provided, single submitter. Criteria: Invitae Variant Classification Sherloc (09022015). Collection method: clinical testing. Allele origin: germline.
Comment: This variant is not present in population databases (gnomAD no frequency). This sequence change replaces leucine, which is neutral and non-polar, with valine, which is neutral and non-polar, at codon 1492 of the KAT6B protein (p.Leu1492Val). This variant has not been reported in the literature in individuals affected with KAT6B-related conditions. ClinVar contains an entry for this variant (Variation ID: 1443553). Advanced modeling of protein sequence and biophysical properties (such as structural, functional, and spatial information, amino acid conservation, physicochemical variation, residue mobility, and thermodynamic stability) performed at Invitae indicates that this missense variant is not expected to disrupt KAT6B protein function. In summary, the available evidence is currently insufficient to determine the role of this variant in disease. Therefore, it has been classified as a Variant of Uncertain Significance.